The following is an entry in ClinVar:

NM_000075.4(CDK4):c.524T>C (p.Val175Ala)

Gene: CDK4 (cyclin dependent kinase 4; minus strand). Cytogenetic location: 12q14.1.
Variant type: single nucleotide variant.
Coding change: c.524T>C on transcript NM_000075.4 (MANE Select); coding-DNA position 524, T replaced by C.
Protein change: p.Val175Ala; replaces valine 175 with alanine.
Molecular consequence: missense variant.
Genome position (GRCh38, 1-based): chr12:57,750,764, A>G on the plus strand (T>C on the coding strand, the complement: CDK4 is on the minus strand). VCF-style: chr12-57750764-A-G. GRCh37 (hg19) VCF-style: chr12-58144547-A-G.
Other names: short protein forms V175A.
Identifiers: ClinVar variation 1501161 (VCV001501161.6), dbSNP rs2140385900, ClinGen allele CA385546020.

ClinVar aggregate classification (germline): Uncertain significance (1 of 4 stars; one submission).

Conditions:
Familial melanoma. Also called: Hereditary melanoma; Hereditary cutaneous melanoma. Identifiers: Orphanet 618, MedGen C1512419, MONDO:0018961.

Submission:

Labcorp Genetics (formerly Invitae), Labcorp
Classification: Uncertain significance for Familial melanoma. Last evaluated: 2021-11-02. Review status: criteria provided, single submitter. Criteria: Invitae Variant Classification Sherloc (09022015). Collection method: clinical testing. Allele origin: germline.
Comment: Algorithms developed to predict the effect of missense changes on protein structure and function are either unavailable or do not agree on the potential impact of this missense change (SIFT: "Deleterious"; PolyPhen-2: "Possibly Damaging"; Align-GVGD: "Class C0"). In summary, the available evidence is currently insufficient to determine the role of this variant in disease. Therefore, it has been classified as a Variant of Uncertain Significance. This variant has not been reported in the literature in individuals affected with CDK4-related conditions. This variant is not present in population databases (gnomAD no frequency). This sequence change replaces valine, which is neutral and non-polar, with alanine, which is neutral and non-polar, at codon 175 of the CDK4 protein (p.Val175Ala).